The following is an entry in ClinVar:

ClinVar aggregate classification (germline): Pathogenic (1 of 4 stars; one submission).

Conditions:
Inborn genetic diseases. Identifiers: MedGen C0950123, MeSH D030342.

Submission:

Ambry Genetics
Classification: Pathogenic for Inborn genetic diseases. Last evaluated: 2021-01-29. Review status: criteria provided, single submitter. Criteria: Ambry Variant Classification Scheme 2023. Collection method: clinical testing. Allele origin: germline.
Comment: The c.3949_3952delCTTC (p.L1317Cfs*14) alteration, located in exon 22 (coding exon 22) of the EPG5 gene, consists of a deletion of 4 nucleotides from position 3949 to 3952, causing a translational frameshift with a predicted alternate stop codon after 14 amino acids. This alteration is expected to result in loss of function by premature protein truncation or nonsense-mediated mRNA decay. Based on data from the Genome Aggregation Database (gnomAD), the EPG5 c.3949_3952delCTTC alteration was not observed, with coverage at this position. Based on the available evidence, this alteration is classified as pathogenic.

NM_020964.3(EPG5):c.3949_3952del (p.Leu1317fs)

Gene: EPG5 (ectopic P-granules 5 autophagy tethering factor; minus strand). Cytogenetic location: 18q21.1.
Variant type: Microsatellite.
Coding change: c.3949_3952del on transcript NM_020964.3 (MANE Select); coding-DNA positions 3949 to 3952, 4 bases deleted (CTTC; older notation c.3949_3952delCTTC).
Protein change: p.Leu1317fs; shifts the reading frame from leucine 1317.
Molecular consequence: frameshift variant.
Genome position (GRCh38, 1-based): chr18:45,912,321-45,912,324, GAAG deleted on the plus strand (CTTC on the coding strand, the reverse complement: EPG5 is on the minus strand); deleting any 4 consecutive bases within chr18:45,912,321-45,912,328 gives the same sequence; the c. name uses the placement nearest the transcript's 3' end. VCF-style (leftmost placement, unchanged base first): chr18-45912320-AGAAG-A. GRCh37 (hg19) VCF-style: chr18-43492285-AGAAG-A.
Other names: c.3945_3948CTTC[1], p.Leu1317Cysfs (NM_001410858.1, NM_001410859.1); short protein forms L1317fs.
Identifiers: ClinVar variation 2228941 (VCV002228941.2), dbSNP rs2511793552, ClinGen allele CA2580612986.
Genomic context (GRCh38, chr18:45,912,320, plus strand): 5'-CACAGAAACCTACAATACTGGGCAGCATACCCATACTGTGGTCCCGGACGGTGAAGATAC[AGAAG>A]GAAGAACTTCTGCCAAATGAGTGGCAGGAGGGGGTGATCAGAAGGTGTGACCAGAGCCTG-3'